The following is an entry in ClinVar:

NM_014391.3(ANKRD1):c.214A>G (p.Lys72Glu)

Gene: ANKRD1 (ankyrin repeat domain 1; minus strand). Cytogenetic location: 10q23.31.
Variant type: single nucleotide variant.
Coding change: c.214A>G on transcript NM_014391.3 (MANE Select); coding-DNA position 214, A replaced by G.
Protein change: p.Lys72Glu; replaces lysine 72 with glutamic acid.
Molecular consequence: missense variant.
Genome position (GRCh38, 1-based): chr10:90,919,262, T>C on the plus strand (A>G on the coding strand, the complement: ANKRD1 is on the minus strand). VCF-style: chr10-90919262-T-C. GRCh37 (hg19) VCF-style: chr10-92679019-T-C.
Other names: short protein forms K72E.
Identifiers: ClinVar variation 578668 (VCV000578668.11), dbSNP rs1564574800, ClinGen allele CA377553076.

ClinVar aggregate classification (germline): Uncertain significance. Review status: criteria provided, multiple submitters, no conflicts (2 of 4 stars). 2 submissions from 2 submitters: Uncertain significance (2). Last evaluated 2025-12-08.

Conditions:
Cardiovascular phenotype. Identifiers: MedGen CN230736.
ANKRD1-related dilated cardiomyopathy. Identifiers: MedGen CN119551.

Allele frequency attached by ClinVar (database versions not stated): gnomAD exomes below 0.00001; gnomAD 0.00001; TOPMed 0.00001.
gnomAD v4.1: 2 of 1,603,952 alleles (0.00012%); highest among the groups gnomAD compares: Admixed American, 0.0034%; no homozygotes.

Submissions (2):

Labcorp Genetics (formerly Invitae), Labcorp
Classification: Uncertain significance for ANKRD1-related dilated cardiomyopathy. Last evaluated: 2025-12-08. Review status: criteria provided, single submitter. Criteria: Invitae Variant Classification Sherloc (09022015). Collection method: clinical testing. Allele origin: germline.
Comment: This sequence change replaces lysine, which is basic and polar, with glutamic acid, which is acidic and polar, at codon 72 of the ANKRD1 protein (p.Lys72Glu). This variant is not present in population databases (gnomAD no frequency). This variant has not been reported in the literature in individuals affected with ANKRD1-related conditions. ClinVar contains an entry for this variant (Variation ID: 578668). Invitae Evidence Modeling of protein sequence and biophysical properties (such as structural, functional, and spatial information, amino acid conservation, physicochemical variation, residue mobility, and thermodynamic stability) indicates that this missense variant is not expected to disrupt ANKRD1 protein function with a negative predictive value of 80%. In summary, the available evidence is currently insufficient to determine the role of this variant in disease. Therefore, it has been classified as a Variant of Uncertain Significance.

Ambry Genetics
Classification: Uncertain significance for Cardiovascular phenotype. Last evaluated: 2025-07-07. Review status: criteria provided, single submitter. Criteria: Ambry Variant Classification Scheme 2023. Collection method: clinical testing. Allele origin: germline.
Comment: The p.K72E variant (also known as c.214A>G), located in coding exon 3 of the ANKRD1 gene, results from an A to G substitution at nucleotide position 214. The lysine at codon 72 is replaced by glutamic acid, an amino acid with similar properties. This amino acid position is highly conserved in available vertebrate species. In addition, the in silico prediction for this alteration is inconclusive. The evidence for this gene-disease relationship is limited; therefore, the clinical significance of this alteration is unclear.